The following is an entry in ClinVar:

ClinVar aggregate classification (germline): Uncertain significance. Review status: criteria provided, multiple submitters, no conflicts (2 of 4 stars). 3 submissions from 3 submitters: Uncertain significance (3). Last evaluated 2026-01-24.

Conditions:
Cardiovascular phenotype. Identifiers: MedGen CN230736.
Brugada syndrome. Also called: Sudden unexplained nocturnal death syndrome; Sudden Unexplained Death Syndrome; Sudden Unexplained Nocturnal Death Syndrome (SUNDS); Sudden unexpected nocturnal death syndrome. Identifiers: Orphanet 130, MedGen C1142166, MONDO:0015263.

Allele frequency attached by ClinVar (database versions not stated): 1000 Genomes Project 30x 0.00016; 1000 Genomes Project 0.00020; ExAC 0.00003; gnomAD exomes 0.00003; TOPMed 0.00003; gnomAD 0.00005 and 0.00006.
gnomAD v4.1: 53 of 1,614,214 alleles (0.0033%); highest among the groups gnomAD compares: Non-Finnish European, 0.0041%; no homozygotes.

Submissions (3):

Labcorp Genetics (formerly Invitae), Labcorp
Classification: Uncertain significance for Brugada syndrome. Last evaluated: 2026-01-24. Review status: criteria provided, single submitter. Criteria: Invitae Variant Classification Sherloc (09022015). Collection method: clinical testing. Allele origin: germline.
Comment: This sequence change replaces leucine, which is neutral and non-polar, with methionine, which is neutral and non-polar, at codon 1186 of the SCN10A protein (p.Leu1186Met). This variant is present in population databases (rs192493052, gnomAD 0.006%). This variant has not been reported in the literature in individuals affected with SCN10A-related conditions. ClinVar contains an entry for this variant (Variation ID: 220957). Invitae Evidence Modeling of protein sequence and biophysical properties (such as structural, functional, and spatial information, amino acid conservation, physicochemical variation, residue mobility, and thermodynamic stability) indicates that this missense variant is expected to disrupt SCN10A protein function with a positive predictive value of 80%. In summary, the available evidence is currently insufficient to determine the role of this variant in disease. Therefore, it has been classified as a Variant of Uncertain Significance.

CeGaT Center for Human Genetics Tuebingen
Classification: Uncertain significance. Last evaluated: 2024-08-01. Review status: criteria provided, single submitter. Criteria: CeGaT Center For Human Genetics Tuebingen Variant Classification Criteria Version 2. Collection method: clinical testing. Allele origin: germline. Affected: yes. Observed: 2 variant alleles.

Ambry Genetics
Classification: Uncertain significance for Cardiovascular phenotype. Last evaluated: 2024-07-07. Review status: criteria provided, single submitter. Criteria: Ambry Variant Classification Scheme 2023. Collection method: clinical testing. Allele origin: germline.
Comment: The p.L1186M variant (also known as c.3556C>A), located in coding exon 20 of the SCN10A gene, results from a C to A substitution at nucleotide position 3556. The leucine at codon 1186 is replaced by methionine, an amino acid with highly similar properties. This variant has been detected in a sudden cardiac arrest cohort; however, details were limited (Giudicessi JR et al. Int J Cardiol, 2018 Nov;270:214-220). This amino acid position is highly conserved in available vertebrate species. In addition, the in silico prediction for this alteration is inconclusive. Since supporting evidence is limited at this time, the clinical significance of this alteration remains unclear.

Literature cited by the submitters: PubMed 29884292 (cited by Ambry Genetics).

NM_006514.4(SCN10A):c.3556C>A (p.Leu1186Met)

Gene: SCN10A (sodium voltage-gated channel alpha subunit 10; minus strand). Cytogenetic location: 3p22.2.
Variant type: single nucleotide variant.
Coding change: c.3556C>A on transcript NM_006514.4 (MANE Select); coding-DNA position 3556, C replaced by A.
Protein change: p.Leu1186Met; replaces leucine 1186 with methionine.
Molecular consequence: missense variant.
Genome position (GRCh38, 1-based): chr3:38,718,778, G>T on the plus strand (C>A on the coding strand, the complement: SCN10A is on the minus strand). VCF-style: chr3-38718778-G-T. GRCh37 (hg19) VCF-style: chr3-38760269-G-T.
Other names: c.3553C>A, p.Leu1185Met (NM_001293306.2); c.3262C>A, p.Leu1088Met (NM_001293307.2); short protein forms L1186M, L1088M, L1185M.
Identifiers: ClinVar variation 220957 (VCV000220957.33), dbSNP rs192493052, ClinGen allele CA348189.
Genomic context (GRCh38, chr3:38,718,778, plus strand): 5'-CCCACTTAAGCAGCATCTCGAACACAAAGATAAAGGTGAAGACCCTGTCAGTGTACTCCA[G>T]CAAAGCTTTCACCGTGGGCTTCTGGTCCAGGTAATAGTCTTCAAAGGCCTGGAAGGAAGA-3'
Protein context (NP_006505.4, residues 1176-1196): LDQKPTVKAL[Leu1186Met]EYTDRVFTFI